The following is an entry in ClinVar:

ClinVar aggregate classification (germline): Likely benign. Review status: criteria provided, multiple submitters, no conflicts (2 of 4 stars). 2 submissions from 2 submitters: Likely benign (2). Last evaluated 2025-07-22.

Conditions:
Inborn genetic diseases. Identifiers: MedGen C0950123, MeSH D030342.

gnomAD v4.1: 57 of 1,613,854 alleles (0.0035%); highest among the groups gnomAD compares: Admixed American, 0.038%; no homozygotes.

Submissions (2):

Ambry Genetics
Classification: Likely benign for Inborn genetic diseases. Last evaluated: 2025-07-22. Review status: criteria provided, single submitter. Criteria: Ambry Variant Classification Scheme 2023. Collection method: clinical testing. Allele origin: germline.

CeGaT Center for Human Genetics Tuebingen
Classification: Likely benign. Last evaluated: 2024-10-01. Review status: criteria provided, single submitter. Criteria: CeGaT Center For Human Genetics Tuebingen Variant Classification Criteria Version 2. Collection method: clinical testing. Allele origin: germline. Affected: yes. Observed: 1 variant allele.
Comment: ASXL3: BP4, BS2

NM_030632.3(ASXL3):c.4163G>A (p.Gly1388Asp)

Gene: ASXL3 (ASXL transcriptional regulator 3; plus strand). Cytogenetic location: 18q12.1.
Variant type: single nucleotide variant.
Coding change: c.4163G>A on transcript NM_030632.3 (MANE Select); coding-DNA position 4163, G replaced by A.
Protein change: p.Gly1388Asp; replaces glycine 1388 with aspartic acid.
Molecular consequence: missense variant.
Genome position (GRCh38, 1-based): chr18:33,744,011, G>A. VCF-style: chr18-33744011-G-A. GRCh37 (hg19) VCF-style: chr18-31323975-G-A.
Other names: c.4163G>A (NM_030632.1); short protein forms G1388D.
Identifiers: ClinVar variation 3388659 (VCV003388659.15).